The following is an entry in ClinVar:

ClinVar aggregate classification (germline): Benign/Likely benign. Review status: criteria provided, multiple submitters, no conflicts (2 of 4 stars). 2 submissions from 2 submitters: Benign (1); Likely benign (1). Last evaluated 2026-01-11.

Conditions:
DCHS1-related disorder. Also called: DCHS1-related condition.

Allele frequency attached by ClinVar (database versions not stated): gnomAD exomes 0.00008 and 0.00023; ExAC 0.00034; gnomAD 0.00072 and 0.00076; 1000 Genomes Project 30x 0.00078; TOPMed 0.00084; 1000 Genomes Project 0.00100; ESP Exome Variant Server 0.00108.

Submissions (2):

Labcorp Genetics (formerly Invitae), Labcorp
Classification: Benign. Last evaluated: 2026-01-11. Review status: criteria provided, single submitter. Criteria: Invitae Variant Classification Sherloc (09022015). Collection method: clinical testing. Allele origin: germline.

PreventionGenetics, part of Exact Sciences
Classification: Likely benign for DCHS1-related condition. Last evaluated: 2025-05-27. Review status: criteria provided, single submitter. Criteria: ACMG Guidelines, 2015. Collection method: clinical testing. Allele origin: germline.
Comment: This variant is classified as likely benign based on ACMG/AMP sequence variant interpretation guidelines (Richards et al. 2015 PMID: 25741868, with internal and published modifications).

NM_003737.4(DCHS1):c.7431C>T (p.Asp2477=)

Gene: DCHS1 (dachsous cadherin-related 1; minus strand). Cytogenetic location: 11p15.4.
Variant type: single nucleotide variant.
Coding change: c.7431C>T on transcript NM_003737.4 (MANE Select); coding-DNA position 7431, C replaced by T.
Protein change: p.Asp2477=; no amino-acid change (aspartic acid 2477 retained).
Molecular consequence: synonymous variant.
Genome position (GRCh38, 1-based): chr11:6,624,245, G>A on the plus strand (C>T on the coding strand, the complement: DCHS1 is on the minus strand). VCF-style: chr11-6624245-G-A. GRCh37 (hg19) VCF-style: chr11-6645476-G-A.
Identifiers: ClinVar variation 718553 (VCV000718553.11), dbSNP rs140884663, ClinGen allele CA5859604.
Genomic context (GRCh38, chr11:6,624,245, plus strand): 5'-AGGGGGCAGGTCTTCAGTCACAGCCACACGGTAGTGTGACAATGTGAAGCTCGGGGCGTG[G>A]TCGTTCTGGTCCTGCAGCTGCACGTGCACTGTGGCTCGTGCTGCCCGGCCTGGAGCCCCG-3'
Protein context (NP_003728.1, residues 2467-2487): TVHVQLQDQN[Asp2477=]HAPSFTLSHY